The following is an entry in ClinVar:

NM_000292.3(PHKA2):c.3337-6T>C

Genes: PHKA2 (phosphorylase kinase regulatory subunit alpha 2; minus strand), PHKA2-AS1 (PHKA2 antisense RNA 1; plus strand). Cytogenetic location: Xp22.13.
Variant type: single nucleotide variant.
Coding change: c.3337-6T>C on transcript NM_000292.3 (MANE Select); 6 bases into the intron before coding-DNA position 3337, T replaced by C.
Molecular consequence: intron variant. On other transcripts: non-coding transcript variant (1).
Genome position (GRCh38, 1-based): chrX:18,894,410, A>G on the plus strand (T>C on the coding strand, the complement: PHKA2 is on the minus strand). VCF-style: chrX-18894410-A-G. GRCh37 (hg19) VCF-style: chrX-18912528-A-G.
Identifiers: ClinVar variation 2660111 (VCV002660111.26), dbSNP rs371554551, ClinGen allele CA10361322.
Genomic context (GRCh38, chrX:18,894,410, plus strand): 5'-CGCGGTTCAGCACCGATTCGACATGGACAGCAAACTTGATCTCATGCGGGGTCATCTACC[A>G]AAGGGACAGGCAGGCAACCACCAGTGAGAGGACAGATGCAGCCCTATCAATCAATCACCG-3'

ClinVar aggregate classification (germline): Likely benign. Review status: criteria provided, multiple submitters, no conflicts (2 of 4 stars). 2 submissions from 2 submitters: Likely benign (2). Last evaluated 2024-05-14.

Conditions:
Glycogen storage disease IXa1. Also called: LIVER GLYCOGENOSIS, X-LINKED, TYPE I; GLYCOGEN STORAGE DISEASE VIII; GSD VIII; Glycogen storage disease 8. Identifiers: Orphanet 264580, MedGen C3694531, MONDO:0010598, OMIM 306000.

Allele frequency attached by ClinVar (database versions not stated): gnomAD 0.00005; TOPMed 0.00005; gnomAD exomes 0.00007; ExAC 0.00012; ESP Exome Variant Server 0.00019.
gnomAD v4.1: 76 of 1,202,656 alleles (0.0063%); highest among the groups gnomAD compares: Non-Finnish European, 0.0081%; no homozygotes.

Submissions (2):

Labcorp Genetics (formerly Invitae), Labcorp
Classification: Likely benign for Glycogen storage disease IXa1. Last evaluated: 2024-05-14. Review status: criteria provided, single submitter. Criteria: Invitae Variant Classification Sherloc (09022015). Collection method: clinical testing. Allele origin: germline.

CeGaT Center for Human Genetics Tuebingen
Classification: Likely benign. Last evaluated: 2022-03-01. Review status: criteria provided, single submitter. Criteria: CeGaT Center For Human Genetics Tuebingen Variant Classification Criteria Version 2. Collection method: clinical testing. Allele origin: germline. Affected: yes. Observed: 1 variant allele.
Comment: PHKA2: BP4